The following is an entry in ClinVar:

ClinVar aggregate classification (germline): Pathogenic/Likely pathogenic. Review status: criteria provided, multiple submitters, no conflicts (2 of 4 stars). 3 submissions from 3 submitters: Pathogenic (2); Likely pathogenic (1). Last evaluated 2025-04-24.

Conditions:
Perlman syndrome (PRLMNS). Identifiers: Orphanet 2849, MedGen C0796113, MONDO:0009965, OMIM 267000.

Allele frequency attached by ClinVar (database versions not stated): gnomAD 0.00001.
gnomAD v4.1: 5 of 1,613,668 alleles (0.00031%); highest among the groups gnomAD compares: Non-Finnish European, 0.00025%; no homozygotes.

Submissions (3):

Institute for Genomic Medicine, Nationwide Children's Hospital
Classification: Pathogenic for Perlman syndrome. Last evaluated: 2025-04-24. Review status: criteria provided, single submitter. Criteria: ACMG Guidelines, 2015. Collection method: clinical testing. Allele origin: paternal. Inheritance: Autosomal recessive inheritance. Affected: yes. Observed: 2 variant alleles.
Comment: The c.127C>T variant creates an early stop codon at residue 43 of 886 and would significantly truncate the encoded DIS3L2 protein consistent with the known etiology of disease-causing variants. It is observed in heterozygous form, but extremely rare, in population databases including gnomAD (5/806,834) and All of Us (4/414,802). This variant was compound-heterozygous with a missense change (c.2381G>A) in a two siblings with Perlman syndrome who underwent trio exome sequencing. The c.127C>T variant has been reported as disease-causing by two clinical laboratories. We interpret this variant as Pathogenic.

Labcorp Genetics (formerly Invitae), Labcorp
Classification: Pathogenic for Perlman syndrome. Last evaluated: 2024-04-22. Review status: criteria provided, single submitter. Criteria: Invitae Variant Classification Sherloc (09022015). Collection method: clinical testing. Allele origin: germline.
Comment: This sequence change creates a premature translational stop signal (p.Arg43*) in the DIS3L2 gene. It is expected to result in an absent or disrupted protein product. Loss-of-function variants in DIS3L2 are known to be pathogenic (PMID: 22306653, 28328139). This variant is present in population databases (no rsID available, gnomAD 0.004%). This variant has not been reported in the literature in individuals affected with DIS3L2-related conditions. ClinVar contains an entry for this variant (Variation ID: 1071976). Algorithms developed to predict the effect of sequence changes on RNA splicing suggest that this variant may disrupt the consensus splice site. For these reasons, this variant has been classified as Pathogenic.

Baylor Genetics
Classification: Likely pathogenic for Perlman syndrome. Last evaluated: 2023-03-30. Review status: criteria provided, single submitter. Criteria: ACMG Guidelines, 2015. Collection method: clinical testing. Allele origin: unknown.

Literature cited by the submitters: PubMed 22306653 (cited by Institute for Genomic Medicine, Nationwide Children's Hospital and Labcorp Genetics (formerly Invitae), Labcorp); PubMed 28328139 (cited by Labcorp Genetics (formerly Invitae), Labcorp).

NM_152383.5(DIS3L2):c.127C>T (p.Arg43Ter)

Gene: DIS3L2 (DIS3 like 3'-5' exoribonuclease 2; plus strand). Cytogenetic location: 2q37.1.
Variant type: single nucleotide variant.
Coding change: c.127C>T on transcript NM_152383.5 (MANE Select); coding-DNA position 127, C replaced by T.
Protein change: p.Arg43Ter; replaces arginine 43 with a stop codon.
Molecular consequence: nonsense. On other transcripts: non-coding transcript variant (2).
Genome position (GRCh38, 1-based): chr2:232,015,588, C>T. VCF-style: chr2-232015588-C-T. GRCh37 (hg19) VCF-style: chr2-232880298-C-T.
Other names: c.127C>T, p.Arg43Ter (NM_001257281.2, NM_001257282.2); short protein forms R43*.
Identifiers: ClinVar variation 1071976 (VCV001071976.9), dbSNP rs762653147, ClinGen allele CA351151957.